The following is an entry in ClinVar:

NM_032444.4(SLX4):c.4175TGG[1] (p.Val1393del)

Gene: SLX4 (SLX4 structure-specific endonuclease subunit; minus strand). Cytogenetic location: 16p13.3.
Variant type: Microsatellite.
Coding change: c.4175TGG[1] on transcript NM_032444.4 (MANE Select); one copy of the 3-base unit TGG starting at c.4175; the reference has two copies in a row; one copy, 3 bases deleted.
Protein change: p.Val1393del; deletes valine 1393.
Molecular consequence: inframe deletion.
Genome position (GRCh38, 1-based): chr16:3,589,458-3,589,460, CCA deleted on the plus strand (TGG on the coding strand, the reverse complement: SLX4 is on the minus strand); deleting any 3 consecutive bases within chr16:3,589,458-3,589,464 gives the same sequence; the position shown is the placement nearest the transcript's 3' end. VCF-style (leftmost placement, unchanged base first): chr16-3589457-TCCA-T. GRCh37 (hg19) VCF-style: chr16-3639458-TCCA-T.
Other names: short protein forms V1393del.
Identifiers: ClinVar variation 1407249 (VCV001407249.8), dbSNP rs756477852, ClinGen allele CA7865711.

ClinVar aggregate classification (germline): Uncertain significance (1 of 4 stars; one submission).

Conditions:
Fanconi anemia (FA). Also called: Fanconi's anemia. Identifiers: Orphanet 84, MedGen C0015625, MeSH D005199, MONDO:0019391.

Submission:

Labcorp Genetics (formerly Invitae), Labcorp
Classification: Uncertain significance for Fanconi anemia. Last evaluated: 2021-03-29. Review status: criteria provided, single submitter. Criteria: Invitae Variant Classification Sherloc (09022015). Collection method: clinical testing. Allele origin: germline.
Comment: This variant, c.4178_4180del, results in the deletion of 1 amino acid(s) of the SLX4 protein (p.Val1393del), but otherwise preserves the integrity of the reading frame. This variant is present in population databases (rs756477852, ExAC 0.006%). This variant has not been reported in the literature in individuals with SLX4-related conditions. Experimental studies and prediction algorithms are not available or were not evaluated, and the functional significance of this variant is currently unknown. In summary, the available evidence is currently insufficient to determine the role of this variant in disease. Therefore, it has been classified as a Variant of Uncertain Significance.